The following is an entry in ClinVar:

ClinVar aggregate classification (germline): Uncertain significance. Review status: criteria provided, multiple submitters, no conflicts (2 of 4 stars). 2 submissions from 2 submitters: Uncertain significance (2). Last evaluated 2023-12-01.

Conditions:
Hereditary cancer-predisposing syndrome. Also called: Tumor predisposition; Hereditary neoplastic syndrome; Hereditary Cancer Syndrome; Neoplastic Syndromes, Hereditary. Identifiers: Orphanet 140162, MedGen C0027672, MeSH D009386, MONDO:0015356.

Submissions (2):

Ambry Genetics
Classification: Uncertain significance for Hereditary cancer-predisposing syndrome. Last evaluated: 2023-12-01. Review status: criteria provided, single submitter. Criteria: Ambry Variant Classification Scheme 2023. Collection method: clinical testing. Allele origin: germline.
Comment: The p.A760V variant (also known as c.2279C>T), located in coding exon 20 of the POLE gene, results from a C to T substitution at nucleotide position 2279. The alanine at codon 760 is replaced by valine, an amino acid with similar properties. This amino acid position is conserved. In addition, the in silico prediction for this alteration is inconclusive. Since supporting evidence is limited at this time, the clinical significance of this alteration remains unclear.

Labcorp Genetics (formerly Invitae), Labcorp
Classification: Uncertain significance. Last evaluated: 2021-06-06. Review status: criteria provided, single submitter. Criteria: Invitae Variant Classification Sherloc (09022015). Collection method: clinical testing. Allele origin: germline.
Comment: Algorithms developed to predict the effect of missense changes on protein structure and function are either unavailable or do not agree on the potential impact of this missense change (SIFT: "Deleterious"; PolyPhen-2: "Probably Damaging"; Align-GVGD: "Class C0"). This variant has not been reported in the literature in individuals with POLE-related conditions. This variant is not present in population databases (ExAC no frequency). This sequence change replaces alanine with valine at codon 760 of the POLE protein (p.Ala760Val). The alanine residue is highly conserved and there is a small physicochemical difference between alanine and valine. In summary, the available evidence is currently insufficient to determine the role of this variant in disease. Therefore, it has been classified as a Variant of Uncertain Significance.

NM_006231.4(POLE):c.2279C>T (p.Ala760Val)

Gene: POLE (DNA polymerase epsilon, catalytic subunit; minus strand). Cytogenetic location: 12q24.33.
Variant type: single nucleotide variant.
Coding change: c.2279C>T on transcript NM_006231.4 (MANE Select); coding-DNA position 2279, C replaced by T.
Protein change: p.Ala760Val; replaces alanine 760 with valine.
Molecular consequence: missense variant.
Genome position (GRCh38, 1-based): chr12:132,667,543, G>A on the plus strand (C>T on the coding strand, the complement: POLE is on the minus strand). VCF-style: chr12-132667543-G-A. GRCh37 (hg19) VCF-style: chr12-133244129-G-A.
Other names: c.2279C>T (NM_006231.2); short protein forms A760V.
Identifiers: ClinVar variation 938828 (VCV000938828.10), dbSNP rs2042824013, ClinGen allele CA387352152.